The following is an entry in ClinVar:

ClinVar aggregate classification (germline): Uncertain significance (1 of 4 stars; one submission).

Conditions:
ALG8 congenital disorder of glycosylation. Also called: CONGENITAL DISORDER OF GLYCOSYLATION, TYPE Ih; CDG Ih; ALG8-CDG. Identifiers: Orphanet 79325, MedGen C2931002, MONDO:0011969, OMIM 608104.

Allele frequency attached by ClinVar (database versions not stated): gnomAD 0.00001.
gnomAD v4.1: 6 of 1,601,780 alleles (0.00037%); highest among the groups gnomAD compares: Admixed American, 0.0017%; no homozygotes.

Submission:

Labcorp Genetics (formerly Invitae), Labcorp
Classification: Uncertain significance for ALG8 congenital disorder of glycosylation. Last evaluated: 2023-10-27. Review status: criteria provided, single submitter. Criteria: Invitae Variant Classification Sherloc (09022015). Collection method: clinical testing. Allele origin: germline.
Comment: This sequence change replaces arginine, which is basic and polar, with cysteine, which is neutral and slightly polar, at codon 237 of the ALG8 protein (p.Arg237Cys). This variant is not present in population databases (gnomAD no frequency). This variant has not been reported in the literature in individuals affected with ALG8-related conditions. Advanced modeling of protein sequence and biophysical properties (such as structural, functional, and spatial information, amino acid conservation, physicochemical variation, residue mobility, and thermodynamic stability) performed at Invitae indicates that this missense variant is not expected to disrupt ALG8 protein function with a negative predictive value of 80%. Algorithms developed to predict the effect of sequence changes on RNA splicing suggest that this variant may disrupt the consensus splice site. In summary, the available evidence is currently insufficient to determine the role of this variant in disease. Therefore, it has been classified as a Variant of Uncertain Significance.

NM_024079.5(ALG8):c.709C>T (p.Arg237Cys)

Gene: ALG8 (ALG8 alpha-1,3-glucosyltransferase; minus strand). Cytogenetic location: 11q14.1.
Variant type: single nucleotide variant.
Coding change: c.709C>T on transcript NM_024079.5 (MANE Select); coding-DNA position 709, C replaced by T.
Protein change: p.Arg237Cys; replaces arginine 237 with cysteine.
Molecular consequence: missense variant.
Genome position (GRCh38, 1-based): chr11:78,113,954, G>A on the plus strand (C>T on the coding strand, the complement: ALG8 is on the minus strand). VCF-style: chr11-78113954-G-A. GRCh37 (hg19) VCF-style: chr11-77825000-G-A.
Other names: c.709C>T, p.Arg237Cys (NM_001007027.3, NM_001425221.1, NM_001425222.1 and 10 more transcripts); c.712C>T, p.Arg238Cys (NM_001425219.1); c.694C>T, p.Arg232Cys (NM_001425220.1); c.802C>T, p.Arg268Cys (NM_001425224.1); c.556C>T, p.Arg186Cys (NM_001425226.1, NM_001425235.1, NM_001425236.1); c.508C>T, p.Arg170Cys (NM_001425231.1); c.445C>T, p.Arg149Cys (NM_001425234.1, NM_001425239.1); c.193C>T, p.Arg65Cys (NM_001425241.1); and 1 more; short protein forms R186C, R232C, R52C, R237C, R268C, R65C, R149C, R170C.
Identifiers: ClinVar variation 3019396 (VCV003019396.3), dbSNP rs1860438379, ClinGen allele CA382116951.